The following is an entry in ClinVar:

ClinVar aggregate classification (germline): Uncertain significance. Review status: criteria provided, multiple submitters, no conflicts (2 of 4 stars). 2 submissions from 2 submitters: Uncertain significance (2). Last evaluated 2022-08-19.

Allele frequency attached by ClinVar (database versions not stated): gnomAD 0.00001; TOPMed 0.00001.
gnomAD v4.1: 2 of 1,612,938 alleles (0.00012%); highest among the groups gnomAD compares: African/African-American, 0.0027%; no homozygotes.

Submissions (2):

GeneDx
Classification: Uncertain significance. Last evaluated: 2022-08-19. Review status: criteria provided, single submitter. Criteria: GeneDx Variant Classification Process June 2021. Collection method: clinical testing. Allele origin: germline. Affected: yes.
Comment: Not observed at significant frequency in large population cohorts (gnomAD); Missense variant in a gene in which most reported pathogenic variants are truncating/loss of function; Has not been previously published as pathogenic or benign to our knowledge

Revvity Omics, Revvity
Classification: Uncertain significance. Last evaluated: 2019-12-03. Review status: criteria provided, single submitter. Criteria: ACMG Guidelines, 2015. Collection method: clinical testing. Allele origin: germline.

NM_001267550.2(TTN):c.19910A>G (p.Asp6637Gly)

Genes: TTN (titin; minus strand), LOC126806429 (BRD4-independent group 4 enhancer GRCh37_chr2:179591393-179592592; plus strand). Cytogenetic location: 2q31.2.
Variant type: single nucleotide variant.
Coding change: c.19910A>G on transcript NM_001267550.2 (MANE Select); coding-DNA position 19910, A replaced by G.
Protein change: p.Asp6637Gly; replaces aspartic acid 6637 with glycine.
Molecular consequence: missense variant. On other transcripts: intron variant (3).
Genome position (GRCh38, 1-based): chr2:178,727,668, T>C on the plus strand (A>G on the coding strand, the complement: TTN is on the minus strand). VCF-style: chr2-178727668-T-C. GRCh37 (hg19) VCF-style: chr2-179592395-T-C.
Other names: c.18959A>G, p.Asp6320Gly (NM_001256850.1); c.16178A>G, p.Asp5393Gly (NM_133378.4); c.13282+10414A>G (NM_003319.4); c.13858+10414A>G (NM_133437.4); c.13657+10414A>G (NM_133432.3); short protein forms D5393G, D6320G, D6637G.
Identifiers: ClinVar variation 2431003 (VCV002431003.3), dbSNP rs1240731918, ClinGen allele CA349550169.